The following is an entry in ClinVar:

ClinVar aggregate classification (germline): Conflicting classifications of pathogenicity. Review status: criteria provided, conflicting classifications (1 of 4 stars). 5 submissions from 5 submitters: Uncertain significance (1); Benign (1); Likely benign (3). Last evaluated 2025-07-31.

Conditions:
Hereditary cancer-predisposing syndrome. Also called: Neoplastic Syndromes, Hereditary; Hereditary neoplastic syndrome; Tumor predisposition; Hereditary Cancer Syndrome. Identifiers: Orphanet 140162, MedGen C0027672, MeSH D009386, MONDO:0015356.
Familial cancer of breast. Also called: hereditary breast carcinoma; Hereditary breast cancer; BREAST CANCER, FAMILIAL. Identifiers: Orphanet 227535, MedGen C0346153, MONDO:0016419, OMIM 114480. Disease mechanism: loss of function.

Allele frequency attached by ClinVar (database versions not stated): gnomAD exomes below 0.00001 and 0.00001; ExAC 0.00001.
gnomAD v4.1: 4 of 1,614,106 alleles (0.00025%); highest among the groups gnomAD compares: Admixed American, 0.0033%; no homozygotes.

Submissions (5):

Labcorp Genetics (formerly Invitae), Labcorp
Classification: Likely benign for Familial cancer of breast. Last evaluated: 2025-07-31. Review status: criteria provided, single submitter. Criteria: Invitae Variant Classification Sherloc (09022015). Collection method: clinical testing. Allele origin: germline.

Myriad Genetics, Inc.
Classification: Benign for Familial cancer of breast. Last evaluated: 2025-01-15. Review status: criteria provided, single submitter. Criteria: Myriad Autosomal Dominant, Autosomal Recessive and X-Linked Classification Criteria (2023). Collection method: clinical testing. Allele origin: unknown.
Comment: This variant is considered benign. This variant is a silent/synonymous amino acid change and it is not expected to impact splicing.

Women's Health and Genetics/Laboratory Corporation of America, LabCorp
Classification: Likely benign. Last evaluated: 2019-08-29. Review status: criteria provided, single submitter. Criteria: LabCorp Variant Classification Summary - May 2015. Collection method: clinical testing. Allele origin: germline.

Quest Diagnostics Nichols Institute San Juan Capistrano
Classification: Uncertain significance. Last evaluated: 2018-01-25. Review status: criteria provided, single submitter. Criteria: Quest Diagnostics criteria. Collection method: clinical testing. Allele origin: germline.

Ambry Genetics
Classification: Likely benign for Hereditary cancer-predisposing syndrome. Last evaluated: 2017-10-30. Review status: criteria provided, single submitter. Criteria: Ambry Variant Classification Scheme 2023. Collection method: clinical testing. Allele origin: germline.

NM_024675.4(PALB2):c.1941T>C (p.His647=)

Gene: PALB2 (partner and localizer of BRCA2; minus strand). Cytogenetic location: 16p12.2.
Variant type: single nucleotide variant.
Coding change: c.1941T>C on transcript NM_024675.4 (MANE Select); coding-DNA position 1941, T replaced by C.
Protein change: p.His647=; no amino-acid change (histidine 647 retained).
Molecular consequence: synonymous variant.
Genome position (GRCh38, 1-based): chr16:23,630,213, A>G on the plus strand (T>C on the coding strand, the complement: PALB2 is on the minus strand). VCF-style: chr16-23630213-A-G. GRCh37 (hg19) VCF-style: chr16-23641534-A-G.
Identifiers: ClinVar variation 619708 (VCV000619708.20), dbSNP rs745467835, ClinGen allele CA7963643.
Genomic context (GRCh38, chr16:23,630,213, plus strand): 5'-TTCTGTATCCATGCGTTTAGGACTCAGTTCCTCTGGAAAAATACAGCTTCCCTCTTTAAG[A>G]TGTCTCTCTCCAAACATTTTTGACTCAAAGGGCTCCACTGGTTTTTCTGAGCAGGACTTC-3'
Protein context (NP_078951.2, residues 637-657): PFESKMFGER[His647=]LKEGSCIFPE